The following is an entry in ClinVar:

ClinVar aggregate classification (germline): Likely benign. Review status: criteria provided, single submitter (1 of 4 stars). 2 submissions from 2 submitters: Likely benign (1). 1 of the submissions does not count toward it. Last evaluated 2025-12-01.

Conditions:
PCLO-related disorder. Also called: PCLO-related condition.

Allele frequency attached by ClinVar (database versions not stated): ExAC 0.00001; gnomAD exomes 0.00001 and 0.00004; gnomAD 0.00002; TOPMed 0.00002.
gnomAD v4.1: 20 of 1,613,398 alleles (0.0012%); highest among the groups gnomAD compares: Admixed American, 0.02%; no homozygotes.

Submissions (2):

Labcorp Genetics (formerly Invitae), Labcorp
Classification: Likely benign. Last evaluated: 2025-12-01. Review status: criteria provided, single submitter. Criteria: Invitae Variant Classification Sherloc (09022015). Collection method: clinical testing. Allele origin: germline.

PreventionGenetics, part of Exact Sciences
Classification: Likely benign for PCLO-related condition. Last evaluated: 2019-04-01. Review status: no assertion criteria provided. Collection method: clinical testing. Allele origin: germline. Not counted in ClinVar's aggregate classification.
Comment: This variant is classified as likely benign based on ACMG/AMP sequence variant interpretation guidelines (Richards et al. 2015 PMID: 25741868, with internal and published modifications).

NM_033026.6(PCLO):c.3762A>G (p.Thr1254=)

Gene: PCLO (piccolo presynaptic cytomatrix protein; minus strand). Cytogenetic location: 7q21.11.
Variant type: single nucleotide variant.
Coding change: c.3762A>G on transcript NM_033026.6 (MANE Select); coding-DNA position 3762, A replaced by G.
Protein change: p.Thr1254=; no amino-acid change (threonine 1254 retained).
Molecular consequence: synonymous variant.
Genome position (GRCh38, 1-based): chr7:82,966,026, T>C on the plus strand (A>G on the coding strand, the complement: PCLO is on the minus strand). VCF-style: chr7-82966026-T-C. GRCh37 (hg19) VCF-style: chr7-82595342-T-C.
Other names: c.3762A>G, p.Thr1254= (NM_014510.3); c.3762A>G (NM_033026.5).
Identifiers: ClinVar variation 1515682 (VCV001515682.8), dbSNP rs750117704, ClinGen allele CA4320964.